The following is an entry in ClinVar:

ClinVar aggregate classification (germline): Pathogenic. Review status: criteria provided, multiple submitters, no conflicts (2 of 4 stars). 4 submissions from 4 submitters: Pathogenic (3). 1 of the submissions does not count toward it. Last evaluated 2024-08-07.

Conditions:
Marinesco-Sjögren syndrome (MSS). Also called: Marinesco-SjÃ¶gren syndrome; Marinesco-Sjogren Syndrome. Identifiers: Orphanet 559, MedGen C0024814, MONDO:0009567, OMIM 248800.

Allele frequency attached by ClinVar (database versions not stated): TOPMed below 0.00001; ExAC 0.00001; gnomAD 0.00001; gnomAD exomes 0.00001.
gnomAD v4.1: 10 of 1,614,008 alleles (0.00062%); highest among the groups gnomAD compares: Middle Eastern, 0.016%; no homozygotes.

Submissions (4):

Labcorp Genetics (formerly Invitae), Labcorp
Classification: Pathogenic for Marinesco-Sjögren syndrome. Last evaluated: 2024-08-07. Review status: criteria provided, single submitter. Criteria: Invitae Variant Classification Sherloc (09022015). Collection method: clinical testing. Allele origin: germline.
Comment: This sequence change creates a premature translational stop signal (p.Arg111*) in the SIL1 gene. It is expected to result in an absent or disrupted protein product. Loss-of-function variants in SIL1 are known to be pathogenic (PMID: 16282977, 24176978). This variant is present in population databases (rs119456965, gnomAD 0.003%). This premature translational stop signal has been observed in individual(s) with Marinesco-Sjogren syndrome (PMID: 16282977, 21873089). ClinVar contains an entry for this variant (Variation ID: 2625). For these reasons, this variant has been classified as Pathogenic.

3billion
Classification: Pathogenic for Marinesco-Sjögren syndrome. Last evaluated: 2023-06-01. Review status: criteria provided, single submitter. Criteria: ACMG Guidelines, 2015. Collection method: clinical testing. Allele origin: germline. Affected: yes.
Comment: The variant is observed at an extremely low frequency in the gnomAD v2.1.1 dataset (total allele frequency: <0.001%). Predicted Consequence/Location: Stop-gained (nonsense): predicted to result in a loss or disruption of normal protein function through nonsense-mediated decay (NMD) or protein truncation. Multiple pathogenic variants are reported downstream of the variant. The variant has been reported at least twice as pathogenic with clinical assertions and evidence for the classification (ClinVar ID: VCV000002625 /PMID: 16282977). Therefore, this variant is classified as Pathogenic according to the recommendation of ACMG/AMP guideline.

Revvity Omics, Revvity
Classification: Pathogenic for Marinesco-Sjögren syndrome. Last evaluated: 2019-07-11. Review status: criteria provided, single submitter. Criteria: ACMG Guidelines, 2015. Collection method: clinical testing. Allele origin: germline.

OMIM
Classification: Pathogenic for MARINESCO-SJOGREN SYNDROME. Last evaluated: 2007-03-01. Review status: no assertion criteria provided. Collection method: literature only. Allele origin: germline. Not counted in ClinVar's aggregate classification.

Literature cited by the submitters: PubMed 16282977 (cited by 3 submitters); PubMed 24176978 (cited by Labcorp Genetics (formerly Invitae), Labcorp); PubMed 21873089 (cited by Labcorp Genetics (formerly Invitae), Labcorp); PubMed 16282978 (cited by OMIM); PubMed 10665502 (cited by OMIM); PubMed 12692552 (cited by OMIM); PubMed 17309654 (cited by OMIM).

NM_022464.5(SIL1):c.331C>T (p.Arg111Ter)

Gene: SIL1 (SIL1 nucleotide exchange factor; minus strand). Cytogenetic location: 5q31.2.
Variant type: single nucleotide variant.
Coding change: c.331C>T on transcript NM_022464.5 (MANE Select); coding-DNA position 331, C replaced by T.
Protein change: p.Arg111Ter; replaces arginine 111 with a stop codon.
Molecular consequence: nonsense.
Genome position (GRCh38, 1-based): chr5:139,050,960, G>A on the plus strand (C>T on the coding strand, the complement: SIL1 is on the minus strand). VCF-style: chr5-139050960-G-A. GRCh37 (hg19) VCF-style: chr5-138386649-G-A.
Other names: c.331C>T, p.Arg111Ter (NM_001037633.2); short protein forms R111*.
Identifiers: ClinVar variation 2625 (VCV000002625.11), dbSNP rs119456965, ClinGen allele CA252369.